The following is an entry in ClinVar:

ClinVar aggregate classification (germline): Uncertain significance (0 of 4 stars; one submission).

Conditions:
PRDM1-related disorder. Also called: PRDM1-related condition.

Submission:

PreventionGenetics, part of Exact Sciences
Classification: Uncertain significance for PRDM1-related condition. Last evaluated: 2024-01-18. Review status: no assertion criteria provided. Collection method: clinical testing. Allele origin: germline.
Comment: The PRDM1 c.1961C>T variant is predicted to result in the amino acid substitution p.Ser654Phe. To our knowledge, this variant has not been reported in the literature or in a large population database, indicating this variant is rare. At this time, the clinical significance of this variant is uncertain due to the absence of conclusive functional and genetic evidence.

NM_001198.4(PRDM1):c.1961C>T (p.Ser654Phe)

Gene: PRDM1 (PR/SET domain 1; plus strand). Cytogenetic location: 6q21.
Variant type: single nucleotide variant.
Coding change: c.1961C>T on transcript NM_001198.4 (MANE Select); coding-DNA position 1961, C replaced by T.
Protein change: p.Ser654Phe; replaces serine 654 with phenylalanine.
Molecular consequence: missense variant.
Genome position (GRCh38, 1-based): chr6:106,106,969, C>T. VCF-style: chr6-106106969-C-T. GRCh37 (hg19) VCF-style: chr6-106554844-C-T.
Other names: c.1559C>T, p.Ser520Phe (NM_182907.3); short protein forms S520F, S654F.
Identifiers: ClinVar variation 3055453 (VCV003055453.2), dbSNP rs2114661844, ClinGen allele CA365157617.